The following is an entry in ClinVar:

NM_005189.3(CBX2):c.849G>T (p.Lys283Asn)

Gene: CBX2 (chromobox 2; plus strand). Cytogenetic location: 17q25.3.
Variant type: single nucleotide variant.
Coding change: c.849G>T on transcript NM_005189.3 (MANE Select); coding-DNA position 849, G replaced by T.
Protein change: p.Lys283Asn; replaces lysine 283 with asparagine.
Molecular consequence: missense variant.
Genome position (GRCh38, 1-based): chr17:79,784,292, G>T. VCF-style: chr17-79784292-G-T. GRCh37 (hg19) VCF-style: chr17-77758091-G-T.
Other names: short protein forms K283N.
Identifiers: ClinVar variation 791205 (VCV000791205.33), dbSNP rs149210919, ClinGen allele CA8811343.
Genomic context (GRCh38, chr17:79,784,292, plus strand): 5'-GACCCAGAGCCAGGCCCAGGCTGCCAGCAGGTTGGCGCTGAAGGCCCAGGCCACCAACAA[G>T]TGCGGCCTCGGGCTGGACCTGAAGGTGAGGACGCAGAAAGGGGAGCTGGGAATGAGCCCT-3'
Protein context (NP_005180.1, residues 273-293): RLALKAQATN[Lys283Asn]CGLGLDLKVR

ClinVar aggregate classification (germline): Benign/Likely benign. Review status: criteria provided, multiple submitters, no conflicts (2 of 4 stars). 3 submissions from 3 submitters: Benign (1); Likely benign (2). Last evaluated 2026-01-25.

Allele frequency attached by ClinVar (database versions not stated): 1000 Genomes Project 0.00100; 1000 Genomes Project 30x 0.00125; TOPMed 0.00280; ExAC 0.00325; gnomAD exomes 0.00341 and 0.00439; gnomAD 0.00356 and 0.00375; ESP Exome Variant Server 0.00423.
gnomAD v4.1: 6,887 of 1,613,088 alleles (0.43%); highest among the groups gnomAD compares: Non-Finnish European, 0.51%; 18 homozygotes.

Submissions (3):

Labcorp Genetics (formerly Invitae), Labcorp
Classification: Benign. Last evaluated: 2026-01-25. Review status: criteria provided, single submitter. Criteria: Invitae Variant Classification Sherloc (09022015). Collection method: clinical testing. Allele origin: germline.

CeGaT Center for Human Genetics Tuebingen
Classification: Likely benign. Last evaluated: 2025-09-01. Review status: criteria provided, single submitter. Criteria: CeGaT Center For Human Genetics Tuebingen Variant Classification Criteria Version 2. Collection method: clinical testing. Allele origin: germline. Affected: yes. Observed: 3 variant alleles.
Comment: CBX2: BP4, BS2

Blueprint Genetics
Classification: Likely benign. Last evaluated: 2024-11-27. Review status: criteria provided, single submitter. Criteria: ACMG Guidelines, 2015. Collection method: clinical testing. Allele origin: germline.